The following is an entry in ClinVar:

NM_002778.4(PSAP):c.777+1915C>A

Gene: PSAP (prosaposin; minus strand). Cytogenetic location: 10q22.1.
Variant type: single nucleotide variant.
Coding change: c.777+1915C>A on transcript NM_002778.4 (MANE Select); 1915 bases into the intron after coding-DNA position 777, C replaced by A.
Molecular consequence: intron variant.
Genome position (GRCh38, 1-based): chr10:71,823,922, G>T on the plus strand (C>A on the coding strand, the complement: PSAP is on the minus strand). VCF-style: chr10-71823922-G-T. GRCh37 (hg19) VCF-style: chr10-73583679-G-T.
Other names: IVS4AS, C-A; c.778-29C>A (NM_001042466.3); c.778-26C>A (NM_001042465.3).
Identifiers: ClinVar variation 13362 (VCV000013362.5), dbSNP rs759960679, ClinGen allele CA594309265.

ClinVar aggregate classification (germline): Likely pathogenic. Review status: criteria provided, single submitter (1 of 4 stars). 2 submissions from 2 submitters: Likely pathogenic (1). 1 of the submissions does not count toward it. Last evaluated 2025-01-13.

Conditions:
Sphingolipid activator protein 1 deficiency. Also called: METACHROMATIC LEUKODYSTROPHY DUE TO CEREBROSIDE SULFATASE ACTIVATOR DEFICIENCY; Saposin B Deficiency; Metachromatic leukodystrophy due to saposin B deficiency. Identifiers: Orphanet 512, MedGen C0268262, MONDO:0009590, OMIM 249900.
Metachromatic leukodystrophy (MLD). Also called: ARSA DEFICIENCY; CEREBROSIDE SULFATASE DEFICIENCY; SULFATIDE LIPIDOSIS; METACHROMATIC LEUKOENCEPHALOPATHY; Cerebral sclerosis diffuse metachromatic form; Arylsulfatase A Deficiency. Identifiers: Orphanet 512, MedGen C0023522, MONDO:0018868, OMIM 250100.

Submissions (2):

Women's Health and Genetics/Laboratory Corporation of America, LabCorp
Classification: Likely pathogenic for Metachromatic leukodystrophy. Last evaluated: 2025-01-13. Review status: criteria provided, single submitter. Criteria: LabCorp Variant Classification Summary - May 2015. Collection method: clinical testing. Allele origin: germline.
Comment: Variant summary: PSAP c.777+1915C>A is located at a position not widely known to affect splicing. Several computational tools predict a significant impact on normal splicing: Four predict the variant creates a 3' acceptor site. At least one publication reports experimental evidence that this variant affects mRNA splicing. The variant allele was found at a frequency of 4.6e-06 in 1292872 control chromosomes. c.777+1915C>A has been reported in the literature in a homozygous individual affected with Metachromatic Leukodystrophy (Zhang_1990)). These data indicate that the variant may be associated with disease. At least one functional assessing the effect of this variant on PSAP gene expression has been reported. The data has shown that this variant results in aberrant splicing and inclusion of intronic sequence (Zhang_1990, Zhang_1991). The following publications have been ascertained in the context of this evaluation (PMID: 2066109, 1689485). ClinVar contains an entry for this variant (Variation ID: 13362). Based on the evidence outlined above, the variant was classified as likely pathogenic.

OMIM
Classification: Pathogenic for METACHROMATIC LEUKODYSTROPHY DUE TO SAPOSIN B DEFICIENCY. Last evaluated: 1991-06-01. Review status: no assertion criteria provided. Collection method: literature only. Allele origin: germline. Not counted in ClinVar's aggregate classification.

Literature cited by the submitters: PubMed 2066109 (cited by Women's Health and Genetics/Laboratory Corporation of America, LabCorp); PubMed 1689485 (cited by Women's Health and Genetics/Laboratory Corporation of America, LabCorp); Wenger, D. A., Zhang, X.-L., Rafi, M., DeGala, G. Molecular basis for SAP-1 (sulfatide/G(M1) activator protein) deficiency. (Abstract) Am. J. Hum. Genet. 45 (suppl.): A13, 1989. (cited by OMIM); Zhang, X.-L., Rafi, M. A., DeGala, G., Wenger, D. A. Insertion in the mRNA of a metachromatic leukodystrophy patient with sphingolipid activator protein-1 deficiency. Proc. Nat. Acad. Sci. 87: 1426-1430, 1990. (cited by OMIM); Zhang, X., Rafi, M. A., DeGala, G., Wenger, D. A. The mechanism for a 33-nucleotide insertion in mRNA causing sphingolipid activator protein (SAP-1)-deficient metachromatic leukodystrophy. Hum. Genet. 87: 211-215, 1991. (cited by OMIM).